The following is an entry in ClinVar:

ClinVar aggregate classification (germline): Likely benign. Review status: criteria provided, multiple submitters, no conflicts (2 of 4 stars). 4 submissions from 4 submitters: Likely benign (4). Last evaluated 2026-06-01.

Conditions:
KBG syndrome (KBGS). Also called: ANKRD11-Related KBG Syndrome. Identifiers: Orphanet 2332, MedGen C0220687, MONDO:0007846, OMIM 148050.
Inborn genetic diseases. Identifiers: MedGen C0950123, MeSH D030342.

Allele frequency attached by ClinVar (database versions not stated): gnomAD 0.00005 and 0.00006; ExAC 0.00007; TOPMed 0.00008; ESP Exome Variant Server 0.00023; gnomAD exomes 0.00004.
gnomAD v4.1: 144 of 1,613,686 alleles (0.0089%); highest among the groups gnomAD compares: Non-Finnish European, 0.011%; no homozygotes.

Submissions (4):

CeGaT Center for Human Genetics Tuebingen
Classification: Likely benign. Last evaluated: 2026-06-01. Review status: criteria provided, single submitter. Criteria: CeGaT Center For Human Genetics Tuebingen Variant Classification Criteria Version 2. Collection method: clinical testing. Allele origin: germline. Affected: yes. Observed: 1 variant allele.
Comment: ANKRD11: BP4, BP7

Labcorp Genetics (formerly Invitae), Labcorp
Classification: Likely benign for KBG syndrome. Last evaluated: 2023-08-14. Review status: criteria provided, single submitter. Criteria: Invitae Variant Classification Sherloc (09022015). Collection method: clinical testing. Allele origin: germline.

GeneDx
Classification: Likely benign. Last evaluated: 2020-09-30. Review status: criteria provided, single submitter. Criteria: GeneDx Variant Classification Process June 2021. Collection method: clinical testing. Allele origin: germline. Affected: yes.

Ambry Genetics
Classification: Likely benign for Inborn genetic diseases. Last evaluated: 2019-12-15. Review status: criteria provided, single submitter. Criteria: Ambry Variant Classification Scheme 2023. Collection method: clinical testing. Allele origin: germline.

NM_013275.6(ANKRD11):c.189C>T (p.Thr63=)

Gene: ANKRD11 (ankyrin repeat domain 11; minus strand). Cytogenetic location: 16q24.3.
Variant type: single nucleotide variant.
Coding change: c.189C>T on transcript NM_013275.6 (MANE Select); coding-DNA position 189, C replaced by T.
Protein change: p.Thr63=; no amino-acid change (threonine 63 retained).
Molecular consequence: synonymous variant. On other transcripts: non-coding transcript variant (1).
Genome position (GRCh38, 1-based): chr16:89,305,243, G>A on the plus strand (C>T on the coding strand, the complement: ANKRD11 is on the minus strand). VCF-style: chr16-89305243-G-A. GRCh37 (hg19) VCF-style: chr16-89371651-G-A.
Other names: c.189C>T, p.Thr63= (NM_001256182.2, NM_001256183.2).
Identifiers: ClinVar variation 721696 (VCV000721696.12), dbSNP rs140654871, ClinGen allele CA8243206.